The following is an entry in ClinVar:

ClinVar aggregate classification (germline): Uncertain significance (1 of 4 stars; one submission).

Submission:

Labcorp Genetics (formerly Invitae), Labcorp
Classification: Uncertain significance. Last evaluated: 2021-10-22. Review status: criteria provided, single submitter. Criteria: Invitae Variant Classification Sherloc (09022015). Collection method: clinical testing. Allele origin: germline.
Comment: This variant has not been reported in the literature in individuals affected with ADCY1-related conditions. This sequence change creates a premature translational stop signal (p.Leu622Ilefs*257) in the ADCY1 gene. It is expected to result in an absent or disrupted protein product. However, the current clinical and genetic evidence is not sufficient to establish whether loss-of-function variants in ADCY1 cause disease. This variant is not present in population databases (ExAC no frequency). Experimental studies and prediction algorithms are not available or were not evaluated, and the functional significance of this variant is currently unknown. In summary, the available evidence is currently insufficient to determine the role of this variant in disease. Therefore, it has been classified as a Variant of Uncertain Significance.

NM_021116.4(ADCY1):c.1864_1865del (p.Leu622fs)

Gene: ADCY1 (adenylate cyclase 1; plus strand). Cytogenetic location: 7p12.3.
Variant type: Deletion.
Coding change: c.1864_1865del on transcript NM_021116.4 (MANE Select); coding-DNA positions 1864 to 1865, 2 bases deleted (TT; older notation c.1864_1865delTT).
Protein change: p.Leu622fs; shifts the reading frame from leucine 622.
Molecular consequence: frameshift variant.
Genome position (GRCh38, 1-based): chr7:45,678,229-45,678,230, TT deleted. VCF-style (leftmost placement, unchanged base first): chr7-45678228-CTT-C. GRCh37 (hg19) VCF-style: chr7-45717827-CTT-C.
Other names: short protein forms L622fs.
Identifiers: ClinVar variation 1388556 (VCV001388556.6), dbSNP rs2116185425, ClinGen allele CA2573142165.